The following is an entry in ClinVar:

NM_182641.4(BPTF):c.200C>T (p.Pro67Leu)

Gene: BPTF (bromodomain PHD finger transcription factor; plus strand). Cytogenetic location: 17q24.2.
Variant type: single nucleotide variant.
Coding change: c.200C>T on transcript NM_182641.4 (MANE Select); coding-DNA position 200, C replaced by T.
Protein change: p.Pro67Leu; replaces proline 67 with leucine.
Molecular consequence: missense variant.
Genome position (GRCh38, 1-based): chr17:67,825,924, C>T. VCF-style: chr17-67825924-C-T. GRCh37 (hg19) VCF-style: chr17-65822040-C-T.
Other names: c.200C>T, p.Pro67Leu (NM_004459.7); short protein forms P67L.
Identifiers: ClinVar variation 1800641 (VCV001800641.1), dbSNP rs2509379480, ClinGen allele CA400715469.

ClinVar aggregate classification (germline): Uncertain significance (1 of 4 stars; one submission).

Submission:

GeneDx
Classification: Uncertain significance. Last evaluated: 2022-05-18. Review status: criteria provided, single submitter. Criteria: GeneDx Variant Classification Process June 2021. Collection method: clinical testing. Allele origin: germline. Affected: yes.
Comment: Not observed at significant frequency in large population cohorts (gnomAD); In silico analysis supports that this missense variant has a deleterious effect on protein structure/function; Has not been previously published as pathogenic or benign to our knowledge